The following is an entry in ClinVar:

NM_004183.4(BEST1):c.1169T>C (p.Ile390Thr)

Gene: BEST1 (bestrophin 1; plus strand). Cytogenetic location: 11q12.3.
Variant type: single nucleotide variant.
Coding change: c.1169T>C on transcript NM_004183.4 (MANE Select); coding-DNA position 1169, T replaced by C.
Protein change: p.Ile390Thr; replaces isoleucine 390 with threonine.
Molecular consequence: missense variant. On other transcripts: non-coding transcript variant (1).
Genome position (GRCh38, 1-based): chr11:61,962,323, T>C. VCF-style: chr11-61962323-T-C. GRCh37 (hg19) VCF-style: chr11-61729795-T-C.
Other names: c.989T>C, p.Ile330Thr (NM_001139443.3, NM_001300787.2); c.908T>C, p.Ile303Thr (NM_001300786.2); c.851T>C, p.Ile284Thr (NM_001363591.3); c.*64T>C (NM_001363592.2); c.197T>C, p.Ile66Thr (NM_001363593.3); short protein forms I284T, I303T, I330T, I390T, I66T.
Identifiers: ClinVar variation 1592764 (VCV001592764.12), dbSNP rs375618932, ClinGen allele CA6041012.

ClinVar aggregate classification (germline): Conflicting classifications of pathogenicity. Review status: criteria provided, conflicting classifications (1 of 4 stars). 4 submissions from 4 submitters: Uncertain significance (3); Likely benign (1). Last evaluated 2026-01-27.

Conditions:
Retinal dystrophy. Also called: Inherited retinal dystrophy. Identifiers: Orphanet 71862, MedGen C0854723, MeSH D058499, MONDO:0019118, HP:0000556.
BEST1-related disorder. Also called: BEST1-related condition; BEST1-related disorders. Identifiers: MedGen CN239200.

Allele frequency attached by ClinVar (database versions not stated): gnomAD exomes 0.00003 and 0.00006; gnomAD 0.00004 and 0.00007; ExAC 0.00007; ESP Exome Variant Server 0.00008; TOPMed 0.00008; 1000 Genomes Project 0.00040; 1000 Genomes Project 30x 0.00047.
gnomAD v4.1: 57 of 1,614,194 alleles (0.0035%); highest among the groups gnomAD compares: East Asian, 0.027%; no homozygotes.

Submissions (4):

PreventionGenetics, part of Exact Sciences
Classification: Uncertain significance for BEST1-related condition. Last evaluated: 2026-01-27. Review status: criteria provided, single submitter. Criteria: ACMG Guidelines, 2015. Collection method: clinical testing. Allele origin: germline.
Comment: The BEST1 c.1169T>C variant is predicted to result in the amino acid substitution p.Ile390Thr. This variant has been reported with uncertain significance in an individual with retinitis pigmentosa (Table S4, Kim et al. 2021. PubMed ID: 33946315). This variant is present in 0.020% of alleles in individuals of East Asian descent in gnomAD. At this time, the clinical significance of this variant is uncertain due to the absence of conclusive functional and genetic evidence.

Labcorp Genetics (formerly Invitae), Labcorp
Classification: Likely benign. Last evaluated: 2025-12-19. Review status: criteria provided, single submitter. Criteria: Invitae Variant Classification Sherloc (09022015). Collection method: clinical testing. Allele origin: germline.

Dept Of Ophthalmology, Nagoya University
Classification: Uncertain significance for Retinal dystrophy. Last evaluated: 2023-10-01. Review status: criteria provided, single submitter. Criteria: Submitter's publication. Collection method: research. Allele origin: germline. Affected: yes.

Blueprint Genetics
Classification: Uncertain significance. Last evaluated: 2023-08-17. Review status: criteria provided, single submitter. Criteria: ACMG Guidelines, 2015. Collection method: clinical testing. Allele origin: germline.